The following is an entry in ClinVar:

NM_001004334.4(GPR179):c.2171C>T (p.Ala724Val)

Gene: GPR179 (G protein-coupled receptor 179; minus strand). Cytogenetic location: 17q12.
Variant type: single nucleotide variant.
Coding change: c.2171C>T on transcript NM_001004334.4 (MANE Select); coding-DNA position 2171, C replaced by T.
Protein change: p.Ala724Val; replaces alanine 724 with valine.
Molecular consequence: missense variant.
Genome position (GRCh38, 1-based): chr17:38,331,398, G>A on the plus strand (C>T on the coding strand, the complement: GPR179 is on the minus strand). VCF-style: chr17-38331398-G-A. GRCh37 (hg19) VCF-style: chr17-36487281-G-A.
Other names: c.2171C>T (NM_001004334.2); short protein forms A724V.
Identifiers: ClinVar variation 1511043 (VCV001511043.6), dbSNP rs376647969, ClinGen allele CA290106104.

ClinVar aggregate classification (germline): Uncertain significance. Review status: criteria provided, multiple submitters, no conflicts (2 of 4 stars). 2 submissions from 2 submitters: Uncertain significance (2). Last evaluated 2023-03-02.

Conditions:
Inborn genetic diseases. Identifiers: MedGen C0950123, MeSH D030342.

Allele frequency attached by ClinVar (database versions not stated): ExAC 0.00002; gnomAD exomes 0.00002; ESP Exome Variant Server 0.00008; TOPMed 0.00008; gnomAD 0.00013 and 0.00015.
gnomAD v4.1: 47 of 1,613,954 alleles (0.0029%); highest among the groups gnomAD compares: African/African-American, 0.048%; 1 homozygote.

Submissions (2):

Ambry Genetics
Classification: Uncertain significance for Inborn genetic diseases. Last evaluated: 2023-03-02. Review status: criteria provided, single submitter. Criteria: Ambry Variant Classification Scheme 2023. Collection method: clinical testing. Allele origin: germline.

Labcorp Genetics (formerly Invitae), Labcorp
Classification: Uncertain significance. Last evaluated: 2022-08-08. Review status: criteria provided, single submitter. Criteria: Invitae Variant Classification Sherloc (09022015). Collection method: clinical testing. Allele origin: germline.
Comment: This sequence change replaces alanine, which is neutral and non-polar, with valine, which is neutral and non-polar, at codon 724 of the GPR179 protein (p.Ala724Val). This variant is present in population databases (rs376647969, gnomAD 0.05%). This variant has not been reported in the literature in individuals affected with GPR179-related conditions. ClinVar contains an entry for this variant (Variation ID: 1511043). Algorithms developed to predict the effect of missense changes on protein structure and function (SIFT, PolyPhen-2, Align-GVGD) all suggest that this variant is likely to be tolerated. In summary, the available evidence is currently insufficient to determine the role of this variant in disease. Therefore, it has been classified as a Variant of Uncertain Significance.